The following is an entry in ClinVar:

ClinVar aggregate classification (germline): Benign. Review status: criteria provided, multiple submitters, no conflicts (2 of 4 stars). 9 submissions from 9 submitters: Benign (7). 2 of the submissions do not count toward it. Last evaluated 2026-02-04.

Conditions:
Fraser syndrome 1 (FRASRS1). Also called: CRYPTOPHTHALMOS WITH OTHER MALFORMATIONS. Identifiers: Orphanet 2052, MedGen C4551480, MONDO:0054737, OMIM 219000.

Allele frequency attached by ClinVar (database versions not stated): 1000 Genomes Project 30x 0.29544; 1000 Genomes Project 0.29752; ESP Exome Variant Server 0.31030; TOPMed 0.31955; gnomAD 0.32517 and 0.32547; ExAC 0.36576; gnomAD exomes 0.36860 and 0.37065.
gnomAD v4.1: 586,450 of 1,613,104 alleles (36%); highest among the groups gnomAD compares: Admixed American, 45%; 109,444 homozygotes.

Submissions (9):

Labcorp Genetics (formerly Invitae), Labcorp
Classification: Benign. Last evaluated: 2026-02-04. Review status: criteria provided, single submitter. Criteria: Invitae Variant Classification Sherloc (09022015). Collection method: clinical testing. Allele origin: germline.

Blueprint Genetics
Classification: Benign. Last evaluated: 2024-11-26. Review status: criteria provided, single submitter. Criteria: ACMG Guidelines, 2015. Collection method: clinical testing. Allele origin: germline.

Mayo Clinic Laboratories, Mayo Clinic
Classification: Benign. Last evaluated: 2022-03-09. Review status: criteria provided, single submitter. Criteria: ACMG Guidelines, 2015. Collection method: clinical testing. Allele origin: germline. Observed: 44 variant alleles.

Genome-Nilou Lab
Classification: Benign for Fraser syndrome 1. Last evaluated: 2021-08-10. Review status: criteria provided, single submitter. Criteria: ACMG Guidelines, 2015. Collection method: clinical testing. Allele origin: germline. Affected: no.

Illumina Laboratory Services, Illumina
Classification: Benign for Fraser syndrome 1. Last evaluated: 2018-01-13. Review status: criteria provided, single submitter. Criteria: ICSL Variant Classification Criteria 13 December 2019. Collection method: clinical testing. Allele origin: germline.
Comment: This variant was observed in the ICSL laboratory as part of a predisposition screen in an ostensibly healthy population. It had not been previously curated by ICSL or reported in the Human Gene Mutation Database (HGMD: prior to June 1st, 2018), and was therefore a candidate for classification through an automated scoring system. Utilizing variant allele frequency, disease prevalence and penetrance estimates, and inheritance mode, an automated score was calculated to assess if this variant is too frequent to cause the disease. Based on the score and internal cut-off values, a variant classified as benign is not then subjected to further curation. The score for this variant resulted in a classification of benign for this disease.

Breakthrough Genomics
Classification: Benign. Review status: criteria provided, single submitter. Criteria: ACMG Guidelines, 2015. Collection method: not provided. Allele origin: germline. Inheritance: Autosomal recessive inheritance. Affected: yes.

PreventionGenetics, part of Exact Sciences
Classification: Benign. Review status: criteria provided, single submitter. Criteria: ACMG Guidelines, 2015. Collection method: clinical testing. Allele origin: germline.

Diagnostic Laboratory, Department of Genetics, University Medical Center Groningen
Classification: Benign for Fraser syndrome 1. Review status: no assertion criteria provided. Collection method: clinical testing. Allele origin: germline. Affected: yes. Study: VKGL Data-share Consensus. Not counted in ClinVar's aggregate classification.

Genome Diagnostics Laboratory, University Medical Center Utrecht
Classification: Benign. Review status: no assertion criteria provided. Collection method: clinical testing. Allele origin: germline. Affected: yes. Study: VKGL Data-share Consensus. Not counted in ClinVar's aggregate classification.

NM_025074.7(FRAS1):c.7011G>A (p.Ala2337=)

Gene: FRAS1 (Fraser extracellular matrix complex subunit 1; plus strand). Cytogenetic location: 4q21.21.
Variant type: single nucleotide variant.
Coding change: c.7011G>A on transcript NM_025074.7 (MANE Select); coding-DNA position 7011, G replaced by A.
Protein change: p.Ala2337=; no amino-acid change (alanine 2337 retained).
Molecular consequence: synonymous variant.
Genome position (GRCh38, 1-based): chr4:78,464,565, G>A. VCF-style: chr4-78464565-G-A. GRCh37 (hg19) VCF-style: chr4-79385719-G-A.
Other names: p.Ala2337=.
Identifiers: ClinVar variation 261811 (VCV000261811.18), dbSNP rs6851427, ClinGen allele CA2977955.
Genomic context (GRCh38, chr4:78,464,565, plus strand): 5'-CTTAGGAATGCGGGTGCAGGAGGGCATGAGGAAGACCATCACAGAGTTTGAGCTTAAGGC[G>A]GTGGATGCTGACACAGAGGTAAGAGCACTTCTTCCCATGGGTTCTCTGGCTAAATGAGAG-3'
Protein context (NP_079350.5, residues 2327-2347): RKTITEFELK[Ala2337=]VDADTEAESV